The following is an entry in ClinVar:

ClinVar aggregate classification (germline): Benign. Review status: criteria provided, multiple submitters, no conflicts (2 of 4 stars). 11 submissions from 11 submitters: Benign (9). 2 of the submissions do not count toward it. Last evaluated 2026-02-03.

Conditions:
KIF1A-related disorder. Also called: KIF1A-related disorders; KIF1A-related condition.
Neuropathy, hereditary sensory, type 2C. Also called: Hereditary sensory and autonomic neuropathy type IIC; KIF1A-Related HSAN2 (HSAN2C). Identifiers: Orphanet 970, MedGen C3280168, MONDO:0013634, OMIM 614213.
Intellectual disability, autosomal dominant 9 (NESCAVS). Also called: NESCAV SYNDROME; KIF1A-Related Neurodevelopmental Disorder. Identifiers: Orphanet 662367, MedGen C5393830, MONDO:0013656, OMIM 614255.
Hereditary spastic paraplegia 30. Identifiers: Orphanet 101010, MedGen C5235139, MONDO:0012476.
Inborn genetic diseases. Identifiers: MedGen C0950123, MeSH D030342.
Hereditary spastic paraplegia. Also called: Familial spastic paraparesis. Identifiers: Orphanet 685, MedGen C0037773, MONDO:0019064. Disease mechanism: loss of function.

Allele frequency attached by ClinVar (database versions not stated): 1000 Genomes Project 0.05032; 1000 Genomes Project 30x 0.05262; ESP Exome Variant Server 0.05727; TOPMed 0.05938.
gnomAD v4.1: 87,914 of 1,562,738 alleles (5.6%); highest among the groups gnomAD compares: African/African-American, 7.5%; 2,587 homozygotes.

Submissions (11):

Labcorp Genetics (formerly Invitae), Labcorp
Classification: Benign for Hereditary spastic paraplegia 30; Neuropathy, hereditary sensory, type 2C; Intellectual disability, autosomal dominant 9. Last evaluated: 2026-02-03. Review status: criteria provided, single submitter. Criteria: Invitae Variant Classification Sherloc (09022015). Collection method: clinical testing. Allele origin: germline.

Blueprint Genetics
Classification: Benign. Last evaluated: 2024-11-26. Review status: criteria provided, single submitter. Criteria: ACMG Guidelines, 2015. Collection method: clinical testing. Allele origin: germline.

Illumina Laboratory Services, Illumina
Classification: Benign for Spastic paraplegia 30A, autosomal dominant. Last evaluated: 2018-01-13. Review status: criteria provided, single submitter. Criteria: ICSL Variant Classification Criteria 13 December 2019. Collection method: clinical testing. Allele origin: germline.
Comment: This variant was observed in the ICSL laboratory as part of a predisposition screen in an ostensibly healthy population. It had not been previously curated by ICSL or reported in the Human Gene Mutation Database (HGMD: prior to June 1st, 2018), and was therefore a candidate for classification through an automated scoring system. Utilizing variant allele frequency, disease prevalence and penetrance estimates, and inheritance mode, an automated score was calculated to assess if this variant is too frequent to cause the disease. Based on the score and internal cut-off values, a variant classified as benign is not then subjected to further curation. The score for this variant resulted in a classification of benign for this disease.

Genome Diagnostics Laboratory, The Hospital for Sick Children
Classification: Benign for Hereditary spastic paraplegia. Last evaluated: 2016-12-12. Review status: criteria provided, single submitter. Criteria: ACMG Guidelines, 2015. Collection method: clinical testing. Allele origin: germline. Affected: yes.

Ambry Genetics
Classification: Benign for Inborn genetic diseases. Last evaluated: 2016-04-07. Review status: criteria provided, single submitter. Criteria: Ambry Variant Classification Scheme 2023. Collection method: clinical testing. Allele origin: germline.

Mayo Clinic Laboratories, Mayo Clinic
Classification: Benign. Last evaluated: 2015-10-21. Review status: criteria provided, single submitter. Criteria: ACMG Guidelines, 2015. Collection method: clinical testing. Allele origin: germline. Observed: 199 variant alleles.

Eurofins Ntd Llc (ga)
Classification: Benign. Last evaluated: 2014-11-11. Review status: criteria provided, single submitter. Criteria: EGL Classification Definitions 2015. Collection method: clinical testing. Allele origin: germline. Observed: 1 variant allele, 1 heterozygote.

GeneDx
Classification: Benign. Last evaluated: 2014-05-19. Review status: criteria provided, single submitter. Criteria: GeneDx Variant Classification (06012015). Collection method: clinical testing. Allele origin: germline. Affected: yes.
Comment: This variant is considered likely benign or benign based on one or more of the following criteria: it is a conservative change, it occurs at a poorly conserved position in the protein, it is predicted to be benign by multiple in silico algorithms, and/or has population frequency not consistent with disease.

Breakthrough Genomics
Classification: Benign. Review status: criteria provided, single submitter. Criteria: ACMG Guidelines, 2015. Collection method: not provided. Allele origin: germline. Inheritance: Autosomal recessive inheritance. Affected: yes.

PreventionGenetics, part of Exact Sciences
Classification: Benign for KIF1A-related condition. Last evaluated: 2019-09-18. Review status: no assertion criteria provided. Collection method: clinical testing. Allele origin: germline. Not counted in ClinVar's aggregate classification.
Comment: This variant is classified as benign based on ACMG/AMP sequence variant interpretation guidelines (Richards et al. 2015 PMID: 25741868, with internal and published modifications).

Genetic Services Laboratory, University of Chicago
Classification: Likely benign for AllHighlyPenetrant. Review status: no assertion criteria provided. Collection method: clinical testing. Allele origin: germline. Not counted in ClinVar's aggregate classification.
Comment: Likely benign based on allele frequency in 1000 Genomes Project or ESP global frequency and its presence in a patient with a rare or unrelated disease phenotype. NOT Sanger confirmed.

NM_001244008.2(KIF1A):c.3072C>T (p.Ser1024=)

Gene: KIF1A (kinesin family member 1A; minus strand). Cytogenetic location: 2q37.3.
Variant type: single nucleotide variant.
Coding change: c.3072C>T on transcript NM_001244008.2 (MANE Select); coding-DNA position 3072, C replaced by T.
Protein change: p.Ser1024=; no amino-acid change (serine 1024 retained).
Molecular consequence: synonymous variant.
Genome position (GRCh38, 1-based): chr2:240,746,169, G>A on the plus strand (C>T on the coding strand, the complement: KIF1A is on the minus strand). VCF-style: chr2-240746169-G-A. GRCh37 (hg19) VCF-style: chr2-241685586-G-A.
Other names: p.S923S:TCC>TCT; p.Ser923=; c.2796C>T, p.Ser932= (NM_001320705.2, NM_001330289.2, NM_001379638.1); c.2871C>T, p.Ser957= (NM_001330290.2, NM_001379634.1, NM_001379635.1 and 1 more transcripts); c.3147C>T, p.Ser1049= (NM_001379631.1); c.3021C>T, p.Ser1007= (NM_001379632.1); c.3045C>T, p.Ser1015= (NM_001379633.1, NM_001379642.1, NM_001379645.1); c.2769C>T, p.Ser923= (NM_001379636.1, NM_001379639.1, NM_001379640.1 and 6 more transcripts); and 2 more.
Identifiers: ClinVar variation 129389 (VCV000129389.33), dbSNP rs73102625, ClinGen allele CA153363.